The following is an entry in ClinVar:

NM_001277115.2(DNAH11):c.12031G>A (p.Gly4011Arg)

Gene: DNAH11 (dynein axonemal heavy chain 11; plus strand). Cytogenetic location: 7p15.3.
Variant type: single nucleotide variant.
Coding change: c.12031G>A on transcript NM_001277115.2 (MANE Select); coding-DNA position 12031, G replaced by A.
Protein change: p.Gly4011Arg; replaces glycine 4011 with arginine.
Molecular consequence: missense variant.
Genome position (GRCh38, 1-based): chr7:21,873,337, G>A. VCF-style: chr7-21873337-G-A. GRCh37 (hg19) VCF-style: chr7-21912955-G-A.
Other names: c.12031G>A (NM_001277115.1); short protein forms G4011R.
Identifiers: ClinVar variation 3714757 (VCV003714757.2).

ClinVar aggregate classification (germline): Uncertain significance. Review status: criteria provided, multiple submitters, no conflicts (2 of 4 stars). 2 submissions from 2 submitters: Uncertain significance (2). Last evaluated 2025-10-24.

Conditions:
Primary ciliary dyskinesia. Also called: Ciliary dyskinesia. Identifiers: Orphanet 244, MedGen C0008780, MONDO:0016575, HP:0012265.

gnomAD v4.1: 2 of 1,612,464 alleles (0.00012%); highest among the groups gnomAD compares: Non-Finnish European, 0.00017%; no homozygotes.

Submissions (2):

Ambry Genetics
Classification: Uncertain significance for Primary ciliary dyskinesia. Last evaluated: 2025-10-24. Review status: criteria provided, single submitter. Criteria: Ambry Variant Classification Scheme 2023. Collection method: clinical testing. Allele origin: germline.

Labcorp Genetics (formerly Invitae), Labcorp
Classification: Uncertain significance for Primary ciliary dyskinesia. Last evaluated: 2024-06-05. Review status: criteria provided, single submitter. Criteria: Invitae Variant Classification Sherloc (09022015). Collection method: clinical testing. Allele origin: germline.
Comment: This sequence change replaces glycine, which is neutral and non-polar, with arginine, which is basic and polar, at codon 4011 of the DNAH11 protein (p.Gly4011Arg). This variant is not present in population databases (gnomAD no frequency). This variant has not been reported in the literature in individuals affected with DNAH11-related conditions. Advanced modeling of protein sequence and biophysical properties (such as structural, functional, and spatial information, amino acid conservation, physicochemical variation, residue mobility, and thermodynamic stability) performed at Invitae indicates that this missense variant is not expected to disrupt DNAH11 protein function with a negative predictive value of 95%. In summary, the available evidence is currently insufficient to determine the role of this variant in disease. Therefore, it has been classified as a Variant of Uncertain Significance.